The following is an entry in ClinVar:

ClinVar aggregate classification (germline): Uncertain significance (1 of 4 stars; one submission).

Conditions:
Cardiomyopathy (CMYO). Also called: Cardiomyopathies. Identifiers: Orphanet 167848, MedGen C0878544, MONDO:0004994, HP:0001638. Inheritance: Various modes of inheritance.

gnomAD v4.1: 2 of 1,614,154 alleles (0.00012%); highest among the groups gnomAD compares: East Asian, 0.0045%; no homozygotes.

Submission:

Color Diagnostics, LLC DBA Color Health
Classification: Uncertain significance for Cardiomyopathy. Last evaluated: 2025-06-30. Review status: criteria provided, single submitter. Criteria: ACMG Guidelines, 2015. Collection method: clinical testing. Allele origin: germline.
Comment: This missense variant replaces lysine with asparagine at codon 1479 of the DSP protein. Computational prediction suggests that this variant may not impact protein structure and function. To our knowledge, functional studies have not been reported for this variant. This variant has not been reported in individuals affected with DSP-related disorders in the literature. This variant has been identified in 1/250558 chromosomes in the general population by the Genome Aggregation Database (gnomAD). The available evidence is insufficient to determine the role of this variant in disease conclusively. Therefore, this variant is classified as a Variant of Uncertain Significance.

NM_004415.4(DSP):c.4437A>C (p.Lys1479Asn)

Gene: DSP (desmoplakin; plus strand). Cytogenetic location: 6p24.3.
Variant type: single nucleotide variant.
Coding change: c.4437A>C on transcript NM_004415.4 (MANE Select); coding-DNA position 4437, A replaced by C.
Protein change: p.Lys1479Asn; replaces lysine 1479 with asparagine.
Molecular consequence: missense variant. On other transcripts: intron variant (2).
Genome position (GRCh38, 1-based): chr6:7,580,627, A>C. VCF-style: chr6-7580627-A-C. GRCh37 (hg19) VCF-style: chr6-7580860-A-C.
Other names: c.4050+387A>C (NM_001319034.2); c.3582+855A>C (NM_001008844.3); short protein forms K1479N.
Identifiers: ClinVar variation 4757408 (VCV004757408.1).